The following is an entry in ClinVar:

ClinVar aggregate classification (germline): Pathogenic (1 of 4 stars; one submission).

Conditions:
ALG6-congenital disorder of glycosylation 1C (CDG1C). Also called: CDG Ic; CARBOHYDRATE-DEFICIENT GLYCOPROTEIN SYNDROME, TYPE I, WITH DEFICIENT GLYCOSYLATION OF DOLICHOL-LINKED OLIGOSACCHARIDE; CARBOHYDRATE-DEFICIENT GLYCOPROTEIN SYNDROME, TYPE V; Congenital disorder of glycosylation type 1C; Congenital disorder of glycosylation, type Ic. Identifiers: Orphanet 79320, MedGen C2930997, MONDO:0011291, OMIM 603147.

Submission:

Myriad Genetics, Inc.
Classification: Pathogenic for ALG6-congenital disorder of glycosylation 1C. Last evaluated: 2023-10-14. Review status: criteria provided, single submitter. Criteria: Myriad Autosomal Dominant, Autosomal Recessive and X-Linked Classification Criteria (2023). Collection method: clinical testing. Allele origin: unknown.
Comment: NM_013339.3(ALG6):c.907delT(C303Vfs*5) is expected to be pathogenic in the context of congenital disorder of glycosylation, ALG6-related. This variant is predicted to lead to an abnormal or absent protein product due to the creation of a premature termination codon in ALG6, a gene where loss-of-function variants are known to be pathogenic. Please note: this variant was assessed in the context of healthy population screening.

NM_013339.4(ALG6):c.907del (p.Cys303fs)

Gene: ALG6 (ALG6 alpha-1,3-glucosyltransferase; plus strand). Cytogenetic location: 1p31.3.
Variant type: Deletion.
Coding change: c.907del on transcript NM_013339.4 (MANE Select); coding-DNA position 907, one base deleted (T; older notation c.907delT).
Protein change: p.Cys303fs; shifts the reading frame from cysteine 303.
Molecular consequence: frameshift variant.
Genome position (GRCh38, 1-based): chr1:63,415,877, T deleted; the last of 4 consecutive T bases (chr1:63,415,874-63,415,877); deleting any one gives the same sequence. VCF-style (leftmost placement, unchanged base first): chr1-63415873-CT-C. GRCh37 (hg19) VCF-style: chr1-63881544-CT-C.
Other names: short protein forms C303fs.
Identifiers: ClinVar variation 5012392 (VCV005012392.1).